The following is an entry in ClinVar:

NM_004186.5(SEMA3F):c.1332C>T (p.Ala444=)

Gene: SEMA3F (semaphorin 3F; plus strand). Cytogenetic location: 3p21.31.
Variant type: single nucleotide variant.
Coding change: c.1332C>T on transcript NM_004186.5 (MANE Select); coding-DNA position 1332, C replaced by T.
Protein change: p.Ala444=; no amino-acid change (alanine 444 retained).
Molecular consequence: synonymous variant.
Genome position (GRCh38, 1-based): chr3:50,184,690, C>T. VCF-style: chr3-50184690-C-T. GRCh37 (hg19) VCF-style: chr3-50222123-C-T.
Other names: c.1035C>T, p.Ala345= (NM_001318798.2); c.1239C>T, p.Ala413= (NM_001318800.2).
Identifiers: ClinVar variation 3031743 (VCV003031743.2), dbSNP rs746149107, ClinGen allele CA2412083.

ClinVar aggregate classification (germline): Likely benign (0 of 4 stars; one submission).

Conditions:
SEMA3F-related disorder. Also called: SEMA3F-related condition.

Allele frequency attached by ClinVar (database versions not stated): TOPMed 0.00002; gnomAD 0.00003; gnomAD exomes 0.00004; ExAC 0.00010.
gnomAD v4.1: 66 of 1,613,998 alleles (0.0041%); highest among the groups gnomAD compares: Non-Finnish European, 0.0047%; no homozygotes.

Submission:

PreventionGenetics, part of Exact Sciences
Classification: Likely benign for SEMA3F-related condition. Last evaluated: 2022-05-23. Review status: no assertion criteria provided. Collection method: clinical testing. Allele origin: germline.
Comment: This variant is classified as likely benign based on ACMG/AMP sequence variant interpretation guidelines (Richards et al. 2015 PMID: 25741868, with internal and published modifications).